The following is an entry in ClinVar:

NM_015512.5(DNAH1):c.10304C>T (p.Thr3435Met)

Gene: DNAH1 (dynein axonemal heavy chain 1; plus strand). Cytogenetic location: 3p21.1.
Variant type: single nucleotide variant.
Coding change: c.10304C>T on transcript NM_015512.5 (MANE Select); coding-DNA position 10304, C replaced by T.
Protein change: p.Thr3435Met; replaces threonine 3435 with methionine.
Molecular consequence: missense variant.
Genome position (GRCh38, 1-based): chr3:52,392,855, C>T. VCF-style: chr3-52392855-C-T. GRCh37 (hg19) VCF-style: chr3-52426871-C-T.
Other names: short protein forms T3435M.
Identifiers: ClinVar variation 4532629 (VCV004532629.1).

ClinVar aggregate classification (germline): Uncertain significance (1 of 4 stars; one submission).

gnomAD v4.1: 17 of 1,602,974 alleles (0.0011%); highest among the groups gnomAD compares: East Asian, 0.0068%; no homozygotes.

Submission:

GeneDx
Classification: Uncertain significance. Last evaluated: 2025-05-30. Review status: criteria provided, single submitter. Criteria: GeneDx Variant Classification Process June 2021. Collection method: clinical testing. Allele origin: germline. Affected: yes.
Comment: In silico analysis supports that this missense variant has a deleterious effect on protein structure/function; Has not been previously published as pathogenic or benign to our knowledge